The following is an entry in ClinVar:

ClinVar aggregate classification (germline): Uncertain significance (1 of 4 stars; one submission).

Conditions:
Inborn genetic diseases. Identifiers: MedGen C0950123, MeSH D030342.

gnomAD v4.1: 3 of 1,614,058 alleles (0.00019%); highest among the groups gnomAD compares: Admixed American, 0.0017%; no homozygotes.

Submission:

Ambry Genetics
Classification: Uncertain significance for Inborn genetic diseases. Last evaluated: 2024-08-04. Review status: criteria provided, single submitter. Criteria: Ambry Variant Classification Scheme 2023. Collection method: clinical testing. Allele origin: germline.
Comment: The p.G745D variant (also known as c.2234G>A), located in coding exon 14 of the EPAS1 gene, results from a G to A substitution at nucleotide position 2234. The glycine at codon 745 is replaced by aspartic acid, an amino acid with similar properties. This amino acid position is conserved. In addition, this alteration is predicted to be tolerated by in silico analysis. Since supporting evidence is limited at this time, the clinical significance of this alteration remains unclear.

NM_001430.5(EPAS1):c.2234G>A (p.Gly745Asp)

Gene: EPAS1 (endothelial PAS domain protein 1; plus strand). Cytogenetic location: 2p21.
Variant type: single nucleotide variant.
Coding change: c.2234G>A on transcript NM_001430.5 (MANE Select); coding-DNA position 2234, G replaced by A.
Protein change: p.Gly745Asp; replaces glycine 745 with aspartic acid.
Molecular consequence: missense variant.
Genome position (GRCh38, 1-based): chr2:46,382,036, G>A. VCF-style: chr2-46382036-G-A. GRCh37 (hg19) VCF-style: chr2-46609175-G-A.
Other names: short protein forms G745D.
Identifiers: ClinVar variation 1788162 (VCV001788162.3), dbSNP rs1684908238, ClinGen allele CA346705826.
Genomic context (GRCh38, chr2:46,382,036, plus strand): 5'-GGGACCCACCTGGTGGCAGCACCTCACATTTGATGTGGAAACGGATGAAGAACCTCAGGG[G>A]TGGGAGCTGCCCTTTGATGCCGGACAAGCCACTGAGCGCAAATGTACCCAATGGTGAGCA-3'
Protein context (NP_001421.2, residues 735-755): LMWKRMKNLR[Gly745Asp]GSCPLMPDKP